The following is an entry in ClinVar:

NM_007279.3(U2AF2):c.120GAGCCG[4] (p.Arg44_Asp45insSerArgSerArg)

Gene: U2AF2 (U2 small nuclear RNA auxiliary factor 2; plus strand). Cytogenetic location: 19q13.42.
Variant type: Microsatellite.
Coding change: c.120GAGCCG[4] on transcript NM_007279.3 (MANE Select); four copies in a row of the 6-base unit GAGCCG starting at c.120; the reference has two copies in a row; two copies, 12 bases duplicated; also written c.120_131dup.
Protein change: p.Arg44_Asp45insSerArgSerArg.
Molecular consequence: inframe indel (on NM_007279.2).
Genome position (GRCh38, 1-based): chr19:55,659,280-55,659,291, GAGCCGGAGCCG duplicated; duplicating any 12 consecutive bases within chr19:55,659,276-55,659,291 gives the same sequence; the position shown is the placement nearest the transcript's 3' end. VCF-style (leftmost placement, unchanged base first): chr19-55659275-C-CGCCGGAGCCGGA. GRCh37 (hg19) VCF-style: chr19-56170641-C-CGCCGGAGCCGGA.
Other names: c.120_131dup (NM_007279.2); c.120GAGCCG[4], p.Arg44_Asp45insSerArgSerArg (NM_001012478.2); c.120_125GAGCCG[4], p.Arg44_Asp45insSerArgSerArg (NM_007279.2).
Identifiers: ClinVar variation 4527035 (VCV004527035.1).

ClinVar aggregate classification (germline): Uncertain significance (1 of 4 stars; one submission).

Submission:

GeneDx
Classification: Uncertain significance. Last evaluated: 2025-04-21. Review status: criteria provided, single submitter. Criteria: GeneDx Variant Classification Process June 2021. Collection method: clinical testing. Allele origin: germline. Affected: yes.
Comment: Not observed at significant frequency in large population cohorts (gnomAD); In-frame duplication of 4 amino acids in a non-repeat region; Has not been previously published as pathogenic or benign to our knowledge